The following is an entry in ClinVar:

ClinVar aggregate classification (germline): Uncertain significance. Review status: criteria provided, multiple submitters, no conflicts (2 of 4 stars). 2 submissions from 2 submitters: Uncertain significance (2). Last evaluated 2025-05-11.

Conditions:
Developmental and epileptic encephalopathy, 9 (DEE9). Also called: Early infantile epileptic encephalopathy 9; EPILEPSY, FEMALE-RESTRICTED, WITH MENTAL RETARDATION; JUBERG-HELLMAN SYNDROME; PCDH19-Related X-Linked Female-Limited Epilepsy with Mental Retardation. Identifiers: Orphanet 101039, Orphanet 2076, MedGen C1848137, MONDO:0010246, OMIM 300088. Disease mechanism: loss of function.

Allele frequency attached by ClinVar (database versions not stated): gnomAD exomes below 0.00001.
gnomAD v4.1: 2 of 1,211,791 alleles (0.00017%); highest among the groups gnomAD compares: Non-Finnish European, 0.00022%; no homozygotes.

Submissions (2):

Labcorp Genetics (formerly Invitae), Labcorp
Classification: Uncertain significance for Developmental and epileptic encephalopathy, 9. Last evaluated: 2025-05-11. Review status: criteria provided, single submitter. Criteria: Invitae Variant Classification Sherloc (09022015). Collection method: clinical testing. Allele origin: germline.
Comment: This sequence change replaces aspartic acid, which is acidic and polar, with tyrosine, which is neutral and polar, at codon 606 of the PCDH19 protein (p.Asp606Tyr). This variant is not present in population databases (gnomAD no frequency). This variant has not been reported in the literature in individuals affected with PCDH19-related conditions. ClinVar contains an entry for this variant (Variation ID: 1051186). Invitae Evidence Modeling of protein sequence and biophysical properties (such as structural, functional, and spatial information, amino acid conservation, physicochemical variation, residue mobility, and thermodynamic stability) has been performed for this missense variant. However, the output from this modeling did not meet the statistical confidence thresholds required to predict the impact of this variant on PCDH19 protein function. In summary, the available evidence is currently insufficient to determine the role of this variant in disease. Therefore, it has been classified as a Variant of Uncertain Significance.

Revvity Omics, Revvity
Classification: Uncertain significance for Developmental and epileptic encephalopathy, 9. Last evaluated: 2024-02-02. Review status: criteria provided, single submitter. Criteria: ACMG Guidelines, 2015. Collection method: clinical testing. Allele origin: germline.

NM_001184880.2(PCDH19):c.1816G>T (p.Asp606Tyr)

Gene: PCDH19 (protocadherin 19; minus strand). Cytogenetic location: Xq22.1.
Variant type: single nucleotide variant.
Coding change: c.1816G>T on transcript NM_001184880.2 (MANE Select); coding-DNA position 1816, G replaced by T.
Protein change: p.Asp606Tyr; replaces aspartic acid 606 with tyrosine.
Molecular consequence: missense variant.
Genome position (GRCh38, 1-based): chrX:100,406,782, C>A on the plus strand (G>T on the coding strand, the complement: PCDH19 is on the minus strand). VCF-style: chrX-100406782-C-A. GRCh37 (hg19) VCF-style: chrX-99661780-C-A.
Other names: c.1816G>T, p.Asp606Tyr (NM_001105243.2, NM_020766.3); short protein forms D606Y.
Identifiers: ClinVar variation 1051186 (VCV001051186.10), dbSNP rs1928364873, ClinGen allele CA414001909.